The following is an entry in ClinVar:

ClinVar aggregate classification (germline): Benign. Review status: criteria provided, multiple submitters, no conflicts (2 of 4 stars). 3 submissions from 3 submitters: Benign (3). Last evaluated 2021-06-20.

Conditions:
Succinyl-CoA acetoacetate transferase deficiency (SCOTD). Also called: 3-Oxoacid CoA Transferase Deficiency; Succinyl CoA:3-oxoacid CoA transferase deficiency; KETOACIDOSIS DUE TO SCOT DEFICIENCY; SCOT DEFICIENCY; SUCCINYL-CoA:3-KETOACID CoA-TRANSFERASE DEFICIENCY. Identifiers: Orphanet 832, MedGen C0342792, MONDO:0009492, OMIM 245050.

Allele frequency attached by ClinVar (database versions not stated): gnomAD 0.21910 and 0.22030; 1000 Genomes Project 30x 0.19628; 1000 Genomes Project 0.19649; gnomAD exomes 0.21627; TOPMed 0.21752.

Submissions (3):

GeneDx
Classification: Benign. Last evaluated: 2021-06-20. Review status: criteria provided, single submitter. Criteria: GeneDx Variant Classification Process June 2021. Collection method: clinical testing. Allele origin: germline. Affected: yes.

Illumina Laboratory Services, Illumina
Classification: Benign for Succinyl-CoA acetoacetate transferase deficiency. Last evaluated: 2018-01-13. Review status: criteria provided, single submitter. Criteria: ICSL Variant Classification Criteria 13 December 2019. Collection method: clinical testing. Allele origin: germline.
Comment: This variant was observed in the ICSL laboratory as part of a predisposition screen in an ostensibly healthy population. It had not been previously curated by ICSL or reported in the Human Gene Mutation Database (HGMD: prior to June 1st, 2018), and was therefore a candidate for classification through an automated scoring system. Utilizing variant allele frequency, disease prevalence and penetrance estimates, and inheritance mode, an automated score was calculated to assess if this variant is too frequent to cause the disease. Based on the score and internal cut-off values, a variant classified as benign is not then subjected to further curation. The score for this variant resulted in a classification of benign for this disease.

Breakthrough Genomics
Classification: Benign. Review status: criteria provided, single submitter. Criteria: ACMG Guidelines, 2015. Collection method: not provided. Allele origin: germline. Inheritance: Autosomal recessive inheritance. Affected: yes.

NM_000436.3(OXCT1):c.-215A>G

Genes: OXCT1-AS1 (OXCT1 antisense RNA 1; plus strand), OXCT1 (3-oxoacid CoA-transferase 1; minus strand). Cytogenetic location: 5p13.1.
Variant type: single nucleotide variant.
Coding change: c.-215A>G on transcript NM_000436.3; 215 bases upstream of the start codon, A replaced by G.
Genome position (GRCh38, 1-based): chr5:41,870,573, T>C on the plus strand (A>G on the coding strand, the complement: OXCT1 is on the minus strand). VCF-style: chr5-41870573-T-C. GRCh37 (hg19) VCF-style: chr5-41870675-T-C.
Identifiers: ClinVar variation 353674 (VCV000353674.9), dbSNP rs1876654, ClinGen allele CA10620472.
Genomic context (GRCh38, chr5:41,870,573, plus strand): 5'-GGCTGCTGCTTTTAAAAGAAGTGAGGCTGGGCGGGGCCCCGGCGGGGAGAAGAGGCTCTG[T>C]GCAGCCGGGGCGGATCGCGGGGAAGTTCCTCTCAGCGCCTCAGGTGTCTGGGCGTGTGCA-3'